The following is an entry in ClinVar:

NM_000704.3(ATP4A):c.355G>A (p.Ala119Thr)

Gene: ATP4A (ATPase H+/K+ transporting subunit alpha; minus strand). Cytogenetic location: 19q13.12.
Variant type: single nucleotide variant.
Coding change: c.355G>A on transcript NM_000704.3 (MANE Select); coding-DNA position 355, G replaced by A.
Protein change: p.Ala119Thr; replaces alanine 119 with threonine.
Molecular consequence: missense variant.
Genome position (GRCh38, 1-based): chr19:35,562,500, C>T on the plus strand (G>A on the coding strand, the complement: ATP4A is on the minus strand). VCF-style: chr19-35562500-C-T. GRCh37 (hg19) VCF-style: chr19-36053402-C-T.
Other names: short protein forms A119T.
Identifiers: ClinVar variation 2529117 (VCV002529117.3), dbSNP rs1485296185, ClinGen allele CA405393751.

ClinVar aggregate classification (germline): Uncertain significance. Review status: criteria provided, multiple submitters, no conflicts (2 of 4 stars). 2 submissions from 2 submitters: Uncertain significance (2). Last evaluated 2025-05-15.

Allele frequency attached by ClinVar (database versions not stated): gnomAD exomes 0.00001; TOPMed 0.00001; gnomAD 0.00002.
gnomAD v4.1: 12 of 1,614,012 alleles (0.00074%); highest among the groups gnomAD compares: African/African-American, 0.0053%; no homozygotes.

Submissions (2):

Labcorp Genetics (formerly Invitae), Labcorp
Classification: Uncertain significance. Last evaluated: 2025-05-15. Review status: criteria provided, single submitter. Criteria: Invitae Variant Classification Sherloc (09022015). Collection method: clinical testing. Allele origin: germline.
Comment: This sequence change replaces alanine, which is neutral and non-polar, with threonine, which is neutral and polar, at codon 119 of the ATP4A protein (p.Ala119Thr). This variant is present in population databases (no rsID available, gnomAD 0.0008%). This variant has not been reported in the literature in individuals affected with ATP4A-related conditions. ClinVar contains an entry for this variant (Variation ID: 2529117). Invitae Evidence Modeling of protein sequence and biophysical properties (such as structural, functional, and spatial information, amino acid conservation, physicochemical variation, residue mobility, and thermodynamic stability) indicates that this missense variant is not expected to disrupt ATP4A protein function with a negative predictive value of 80%. In summary, the available evidence is currently insufficient to determine the role of this variant in disease. Therefore, it has been classified as a Variant of Uncertain Significance.

Ambry Genetics
Classification: Uncertain significance. Last evaluated: 2023-03-24. Review status: criteria provided, single submitter. Criteria: Ambry Variant Classification Scheme 2023. Collection method: clinical testing. Allele origin: germline.